The following is an entry in ClinVar:

NM_003289.4(TPM2):c.564-19_564-18insA

Gene: TPM2 (tropomyosin 2; minus strand). Cytogenetic location: 9p13.3.
Variant type: Insertion.
Coding change: c.564-19_564-18insA on transcript NM_003289.4 (MANE Select); 19 bases into the intron before coding-DNA position 564 through 18 bases into the intron before coding-DNA position 564, A inserted.
Molecular consequence: intron variant.
Genome position: GRCh38 VCF-style: chr9-35684825-C-CT. GRCh37 (hg19) VCF-style: chr9-35684822-C-CT.
Other names: c.639+238_639+239insA (NM_213674.1, NM_001301227.2); c.564-19_564-18insA (NM_001301226.2).
Identifiers: ClinVar variation 2066966 (VCV002066966.4), dbSNP rs1554658817, ClinGen allele CA1123197466.
Genomic context (GRCh38, chr9:35,684,825, plus strand): 5'-GTTGGTAACAATTTTCAGCTCCTCCTCTAGGTCCCCACATTTACTGCAGGGGGTGTGTGG[C>CT]GGGGGGGGCAGGGTGTGAGGGCACAGCGAAGCCAGACAGTGGAGATGGCACAGCAGGGGA-3'

ClinVar aggregate classification (germline): Uncertain significance (1 of 4 stars; one submission).

Conditions:
Arthrogryposis, distal, type 1A. Also called: ARTHROGRYPOSIS MULTIPLEX CONGENITA, DISTAL, TYPE I. Identifiers: Orphanet 1146, MedGen C6022280, MONDO:0007157, OMIM 108120.

Submission:

Labcorp Genetics (formerly Invitae), Labcorp
Classification: Uncertain significance for Arthrogryposis, distal, type 1A. Last evaluated: 2026-01-24. Review status: criteria provided, single submitter. Criteria: Invitae Variant Classification Sherloc (09022015). Collection method: clinical testing. Allele origin: germline.
Comment: This sequence change falls in intron 5 of the TPM2 gene. It does not directly change the encoded amino acid sequence of the TPM2 protein. This variant is not present in population databases (gnomAD no frequency). This variant has not been reported in the literature in individuals affected with TPM2-related conditions. ClinVar contains an entry for this variant (Variation ID: 2066966). Algorithms developed to predict the effect of sequence changes on RNA splicing suggest that this variant may disrupt the consensus splice site. In summary, the available evidence is currently insufficient to determine the role of this variant in disease. Therefore, it has been classified as a Variant of Uncertain Significance.